The following is an entry in ClinVar:

ClinVar aggregate classification (germline): Conflicting classifications of pathogenicity. Review status: criteria provided, conflicting classifications (1 of 4 stars). 3 submissions from 3 submitters: Uncertain significance (2); Likely benign (1). Last evaluated 2026-02-04.

Allele frequency attached by ClinVar (database versions not stated): gnomAD 0.00001; gnomAD exomes 0.00001; TOPMed 0.00001.
gnomAD v4.1: 12 of 1,416,016 alleles (0.00085%); highest among the groups gnomAD compares: Middle Eastern, 0.018%; no homozygotes.

Submissions (3):

Women's Health and Genetics/Laboratory Corporation of America, LabCorp
Classification: Uncertain significance. Last evaluated: 2026-02-04. Review status: criteria provided, single submitter. Criteria: LabCorp Variant Classification Summary - May 2015. Collection method: clinical testing. Allele origin: germline.
Comment: Variant summary: HBB c.*74A>G is located in the untranslated mRNA region downstream of the termination codon. The variant was absent in 251040 control chromosomes. The available data on variant occurrences in the general population are insufficient to allow any conclusion about variant significance. c.*74A>G has been reported in the literature in individuals not meeting the established criteria for beta thalassaemia carrier status (Daniel_2014). These report(s) do not provide unequivocal conclusions about association of the variant with Hemoglobinopathy. To our knowledge, no experimental evidence demonstrating an impact on protein function has been reported. The following publications have been ascertained in the context of this evaluation (PMID: 20437613, 24754789). ClinVar contains an entry for this variant (Variation ID: 993837). Based on the evidence outlined above, the variant was classified as uncertain significance.

Quest Diagnostics Nichols Institute San Juan Capistrano
Classification: Likely benign. Last evaluated: 2022-09-16. Review status: criteria provided, single submitter. Criteria: Quest Diagnostics criteria. Collection method: clinical testing. Allele origin: unknown.

ARUP Laboratories, Molecular Genetics and Genomics, ARUP Laboratories
Classification: Uncertain significance. Last evaluated: 2019-11-25. Review status: criteria provided, single submitter. Criteria: ARUP Molecular Germline Variant Investigation Process. Collection method: clinical testing. Allele origin: germline.
Comment: The HBB c.*74A>G variant (rs369101035) is reported in the literature in individuals affected with beta-thalassemia or mild anemia, although its clinical significance was not determined in these studies (Al-Gazali 2010, Daniel 2014). This variant is absent from general population databases (Exome Variant Server, Genome Aggregation Database), indicating it is not a common polymorphism. This variant occurs in the 3' untranslated region at a nucleotide that is moderately conserved and is located upstream of the poly(A) signal. However, given the lack of clinical and functional data, the significance of the c.*74A>G variant is uncertain at this time. References: Al-Gazali L and Ali BR. Mutations of a country: a mutation review of single gene disorders in the United Arab Emirates (UAE). Hum Mutat. 2010 May;31(5):505-20. Daniel Y et al. Evaluation of the validity of Hb A2 and mean corpuscular haemoglobin action values in antenatal screening for beta thalassaemia carriers in England. Br J Haematol. 2014 Aug;166(4):607-11.

Literature cited by the submitters: PubMed 20437613 (cited by Women's Health and Genetics/Laboratory Corporation of America, LabCorp and Quest Diagnostics Nichols Institute San Juan Capistrano); PubMed 24754789 (cited by Women's Health and Genetics/Laboratory Corporation of America, LabCorp and Quest Diagnostics Nichols Institute San Juan Capistrano).

NM_000518.5(HBB):c.*74A>G

Genes: HBB (hemoglobin subunit beta; minus strand), LOC110006319 (beta-globin gene 3' regulatory region; plus strand), LOC107133510 (origin of replication at HBB; plus strand). Cytogenetic location: 11p15.4.
Variant type: single nucleotide variant.
Coding change: c.*74A>G on transcript NM_000518.5 (MANE Select); 74 bases downstream of the stop codon, A replaced by G.
Molecular consequence: 3 prime UTR variant.
Genome position (GRCh38, 1-based): chr11:5,225,524, T>C on the plus strand (A>G on the coding strand, the complement: HBB is on the minus strand). VCF-style: chr11-5225524-T-C. GRCh37 (hg19) VCF-style: chr11-5246754-T-C.
Identifiers: ClinVar variation 993837 (VCV000993837.12), dbSNP rs369101035, ClinGen allele CA217112107.
Genomic context (GRCh38, chr11:5,225,524, plus strand): 5'-TTGCAATGAAAATAAATGTTTTTTATTAGGCAGAATCCAGATGCTCAAGGCCCTTCATAA[T>C]ATCCCCCAGTTTAGTAGTTGGACTTAGGGAACAAAGGAACCTTTAATAGAAATTGGACAG-3'